The following is an entry in ClinVar:

NM_001365951.3(KIF1B):c.4966C>G (p.Arg1656Gly)

Gene: KIF1B (kinesin family member 1B; plus strand). Cytogenetic location: 1p36.22.
Variant type: single nucleotide variant.
Coding change: c.4966C>G on transcript NM_001365951.3 (MANE Select); coding-DNA position 4966, C replaced by G.
Protein change: p.Arg1656Gly; replaces arginine 1656 with glycine.
Molecular consequence: missense variant.
Genome position (GRCh38, 1-based): chr1:10,374,335, C>G. VCF-style: chr1-10374335-C-G. GRCh37 (hg19) VCF-style: chr1-10434393-C-G.
Other names: c.4966C>G, p.Arg1656Gly (NM_001365952.1); c.4828C>G, p.Arg1610Gly (NM_015074.3); short protein forms R1656G, R1610G.
Identifiers: ClinVar variation 3533919 (VCV003533919.1).
Genomic context (GRCh38, chr1:10,374,335, plus strand): 5'-TCTCTTGTTACCCTTTTCTTTCTAATCTCTCTATTTTAAAGGACCCCAGAAGCCAATTCC[C>G]GGGCCTCTAGTCCCTGCCCAGAATTTGAACAGTTTCAGATTGTCCCAGCTGTGGAAACAC-3'
Protein context (NP_001352880.1, residues 1646-1666): LDQKTPEANS[Arg1656Gly]ASSPCPEFEQ

ClinVar aggregate classification (germline): Uncertain significance (1 of 4 stars; one submission).

Submission:

Ambry Genetics
Classification: Uncertain significance. Last evaluated: 2024-07-03. Review status: criteria provided, single submitter. Criteria: Ambry Variant Classification Scheme 2023. Collection method: clinical testing. Allele origin: germline.
Comment: The p.R1610G variant (also known as c.4828C>G), located in coding exon 43 of the KIF1B gene, results from a C to G substitution at nucleotide position 4828. The arginine at codon 1610 is replaced by glycine, an amino acid with dissimilar properties. This amino acid position is conserved. In addition, this alteration is predicted to be tolerated by in silico analysis. Based on the available evidence, the clinical significance of this variant remains unclear.